The following is an entry in ClinVar:

ClinVar aggregate classification (germline): Uncertain significance. Review status: criteria provided, multiple submitters, no conflicts (2 of 4 stars). 2 submissions from 2 submitters: Uncertain significance (2). Last evaluated 2021-06-16.

Conditions:
Epileptic encephalopathy. Identifiers: MedGen C0543888, HP:0200134.

Allele frequency attached by ClinVar (database versions not stated): gnomAD 0.00001; gnomAD exomes 0.00001; ExAC 0.00002; TOPMed 0.00004.
gnomAD v4.1: 10 of 1,582,080 alleles (0.00063%); highest among the groups gnomAD compares: South Asian, 0.0046%; no homozygotes.

Submissions (2):

Center for Genomics, Ann and Robert H. Lurie Children's Hospital of Chicago
Classification: Uncertain significance. Last evaluated: 2021-06-16. Review status: criteria provided, single submitter. Criteria: ACMG Guidelines, 2015. Collection method: clinical testing. Allele origin: germline.
Comment: RYR3 NM_001036.3 exon 1 p.Asp10Glu (c.30C>A): This variant has not been reported in the literature but is present in 0.002% (1/41432) of African alleles in the Genome Aggregation Database. This variant is present in ClinVar (Variation ID:646212). Evolutionary conservation suggests that this variant may impact the protein; computational predictive tools for this variant are unclear. In summary, data on this variant is insufficient for disease classification. Therefore, the clinical significance of this variant is uncertain.

Labcorp Genetics (formerly Invitae), Labcorp
Classification: Uncertain significance for Epileptic encephalopathy. Last evaluated: 2018-10-17. Review status: criteria provided, single submitter. Criteria: Invitae Variant Classification Sherloc (09022015). Collection method: clinical testing. Allele origin: germline.
Comment: This variant is present in population databases (rs761390620, ExAC 0.01%). This sequence change replaces aspartic acid with glutamic acid at codon 10 of the RYR3 protein (p.Asp10Glu). The aspartic acid residue is moderately conserved and there is a small physicochemical difference between aspartic acid and glutamic acid. This variant has not been reported in the literature in individuals with RYR3-related disease. Algorithms developed to predict the effect of missense changes on protein structure and function (SIFT, PolyPhen-2, Align-GVGD) all suggest that this variant is likely to be tolerated, but these predictions have not been confirmed by published functional studies and their clinical significance is uncertain. In summary, the available evidence is currently insufficient to determine the role of this variant in disease. Therefore, it has been classified as a Variant of Uncertain Significance.

NM_001036.6(RYR3):c.30C>A (p.Asp10Glu)

Gene: RYR3 (ryanodine receptor 3; plus strand). Cytogenetic location: 15q13.3.
Variant type: single nucleotide variant.
Coding change: c.30C>A on transcript NM_001036.6 (MANE Select); coding-DNA position 30, C replaced by A.
Protein change: p.Asp10Glu; replaces aspartic acid 10 with glutamic acid.
Molecular consequence: missense variant.
Genome position (GRCh38, 1-based): chr15:33,311,075, C>A. VCF-style: chr15-33311075-C-A. GRCh37 (hg19) VCF-style: chr15-33603276-C-A.
Other names: c.30C>A, p.Asp10Glu (NM_001243996.4); short protein forms D10E.
Identifiers: ClinVar variation 646212 (VCV000646212.9), dbSNP rs761390620, ClinGen allele CA7457638.